The following is an entry in ClinVar:

ClinVar aggregate classification (germline): Pathogenic/Likely pathogenic. Review status: criteria provided, multiple submitters, no conflicts (2 of 4 stars). 2 submissions from 2 submitters: Pathogenic (1); Likely pathogenic (1). Last evaluated 2025-09-30.

Conditions:
Retinitis pigmentosa 25 (RP25). Identifiers: Orphanet 791, MedGen C1864446, MONDO:0011272, OMIM 602772.

gnomAD v4.1: 1 of 1,551,204 alleles (0.000064%); highest among the groups gnomAD compares: Admixed American, 0.002%; no homozygotes.

Submissions (2):

Myriad Genetics, Inc.
Classification: Likely pathogenic for Retinitis pigmentosa 25. Last evaluated: 2025-09-30. Review status: criteria provided, single submitter. Criteria: Myriad Autosomal Dominant, Autosomal Recessive and X-Linked Classification Criteria (2023). Collection method: clinical testing. Allele origin: unknown.
Comment: NM_001142800.1(EYS):c.7578+2T>A is a variant in a canonical splice site classified as likely pathogenic in the context of retinitis pigmentosa, EYS-related. c.7578+2T>A has not been observed in cases with relevant disease. Relevant functional assessments of this variant are not available in the literature. c.7578+2T>A has not been observed in referenced population frequency databases. In summary, NM_001142800.1(EYS):c.7578+2T>A is a variant in a canonical splice site in a gene where loss of function is a known mechanism of disease and is predicted to disrupt protein function. Please note: this variant was assessed in the context of healthy population screening.

Natera, Inc.
Classification: Pathogenic for Retinitis pigmentosa type 25. Last evaluated: 2024-03-20. Review status: criteria provided, single submitter. Criteria: Natera Variant Classification Schema (03/2026). Collection method: clinical testing. Allele origin: germline.
Comment: The c.7578+2T>A variant in EYS is a canonical splice donor site variant predicted to affect pre-mRNA splicing, which may result in an abnormal transcript and altered protein product. This variant is expected to result in nonsense mediated decay, truncation, or a dysfunctional protein product. This variant is rare in the general population with a frequency below the threshold expected for the associated phenotype(s). Another variant at this same site results in an alteration predicted to cause a similar molecular effect has been observed in individual(s) with the associated phenotype. Given the available evidence, this variant is classified as Pathogenic.

NM_001142800.2(EYS):c.7578+2T>A

Gene: EYS (EGF-like photoreceptor maintenance factor; minus strand). Cytogenetic location: 6q12.
Variant type: single nucleotide variant.
Coding change: c.7578+2T>A on transcript NM_001142800.2 (MANE Select); the canonical splice donor site of the intron after coding-DNA position 7578, T replaced by A.
Molecular consequence: splice donor variant.
Genome position (GRCh38, 1-based): chr6:63,789,056, A>T on the plus strand (T>A on the coding strand, the complement: EYS is on the minus strand). VCF-style: chr6-63789056-A-T. GRCh37 (hg19) VCF-style: chr6-64498949-A-T.
Other names: c.7578+2T>A (NM_001292009.2).
Identifiers: ClinVar variation 4814659 (VCV004814659.2).